The following is an entry in ClinVar:

ClinVar aggregate classification (germline): Conflicting classifications of pathogenicity. Review status: criteria provided, conflicting classifications (1 of 4 stars). 3 submissions from 2 submitters: Uncertain significance (2); Benign (1). Last evaluated 2022-09-01.

Conditions:
Chondrocalcinosis 2. Also called: Familial calcium pyrophosphate deposition; CALCIUM GOUT; CALCIUM PYROPHOSPHATE ARTHROPATHY. Identifiers: Orphanet 1416, MedGen C0856830, MONDO:0007319, OMIM 118600.
Craniometaphyseal dysplasia, autosomal dominant (CMDD). Identifiers: Orphanet 1522, MedGen C1852502, MONDO:0007397, OMIM 123000.

Allele frequency attached by ClinVar (database versions not stated): 1000 Genomes Project 30x 0.00016; 1000 Genomes Project 0.00020; gnomAD 0.00056; TOPMed 0.00057.

Submissions (3):

CeGaT Center for Human Genetics Tuebingen
Classification: Benign. Last evaluated: 2022-09-01. Review status: criteria provided, single submitter. Criteria: CeGaT Center For Human Genetics Tuebingen Variant Classification Criteria Version 2. Collection method: clinical testing. Allele origin: germline. Affected: yes. Observed: 1 variant allele.
Comment: ANKH: BS1, BS2

Illumina Laboratory Services, Illumina
Classification: Uncertain significance for Chondrocalcinosis 2. Last evaluated: 2018-01-13. Review status: criteria provided, single submitter. Criteria: ICSL Variant Classification Criteria 13 December 2019. Collection method: clinical testing. Allele origin: germline.

Illumina Laboratory Services, Illumina
Classification: Uncertain significance for Craniometaphyseal dysplasia, autosomal dominant. Last evaluated: 2018-01-13. Review status: criteria provided, single submitter. Criteria: ICSL Variant Classification Criteria 13 December 2019. Collection method: clinical testing. Allele origin: germline.

NM_054027.6(ANKH):c.*6012T>C

Genes: ANKH (ANKH inorganic pyrophosphate transport regulator; minus strand), OTULIN (OTU deubiquitinase with linear linkage specificity; plus strand). Cytogenetic location: 5p15.2.
Variant type: single nucleotide variant.
Coding change: c.*6012T>C on transcript NM_054027.6 (MANE Select); 6012 bases downstream of the stop codon, T replaced by C.
Molecular consequence: 3 prime UTR variant.
Genome position (GRCh38, 1-based): chr5:14,705,185, A>G on the plus strand (T>C on the coding strand, the complement: ANKH is on the minus strand). VCF-style: chr5-14705185-A-G. GRCh37 (hg19) VCF-style: chr5-14705294-A-G.
Identifiers: ClinVar variation 351393 (VCV000351393.29), dbSNP rs576051028, ClinGen allele CA10620439.